The following is an entry in ClinVar:

NM_000368.5(TSC1):c.2785T>C (p.Tyr929His)

Gene: TSC1 (TSC complex subunit 1; minus strand). Cytogenetic location: 9q34.13.
Variant type: single nucleotide variant.
Coding change: c.2785T>C on transcript NM_000368.5 (MANE Select); coding-DNA position 2785, T replaced by C.
Protein change: p.Tyr929His; replaces tyrosine 929 with histidine.
Molecular consequence: missense variant.
Genome position (GRCh38, 1-based): chr9:132,897,451, A>G on the plus strand (T>C on the coding strand, the complement: TSC1 is on the minus strand). VCF-style: chr9-132897451-A-G. GRCh37 (hg19) VCF-style: chr9-135772838-A-G.
Other names: c.2782T>C, p.Tyr928His (NM_001162426.2); c.2632T>C, p.Tyr878His (NM_001162427.2); c.2422T>C, p.Tyr808His (NM_001362177.2); short protein forms Y808H, Y878H, Y928H, Y929H.
Identifiers: ClinVar variation 1313163 (VCV001313163.4), dbSNP rs1845137965, ClinGen allele CA375369098.

ClinVar aggregate classification (germline): Uncertain significance. Review status: criteria provided, multiple submitters, no conflicts (2 of 4 stars). 2 submissions from 2 submitters: Uncertain significance (2). Last evaluated 2024-11-04.

Conditions:
Tuberous sclerosis 1 (TSC1). Identifiers: Orphanet 805, MedGen C1854465, MONDO:0008612, OMIM 191100.

Allele frequency attached by ClinVar (database versions not stated): gnomAD exomes below 0.00001; gnomAD 0.00001.
gnomAD v4.1: 2 of 1,614,056 alleles (0.00012%); no homozygotes.

Submissions (2):

Labcorp Genetics (formerly Invitae), Labcorp
Classification: Uncertain significance for Tuberous sclerosis 1. Last evaluated: 2024-11-04. Review status: criteria provided, single submitter. Criteria: Invitae Variant Classification Sherloc (09022015). Collection method: clinical testing. Allele origin: germline.
Comment: This sequence change replaces tyrosine, which is neutral and polar, with histidine, which is basic and polar, at codon 929 of the TSC1 protein (p.Tyr929His). This variant is not present in population databases (gnomAD no frequency). This variant has not been reported in the literature in individuals affected with TSC1-related conditions. ClinVar contains an entry for this variant (Variation ID: 1313163). Invitae Evidence Modeling of protein sequence and biophysical properties (such as structural, functional, and spatial information, amino acid conservation, physicochemical variation, residue mobility, and thermodynamic stability) indicates that this missense variant is not expected to disrupt TSC1 protein function with a negative predictive value of 95%. In summary, the available evidence is currently insufficient to determine the role of this variant in disease. Therefore, it has been classified as a Variant of Uncertain Significance.

GeneDx
Classification: Uncertain significance. Last evaluated: 2020-08-24. Review status: criteria provided, single submitter. Criteria: GeneDx Variant Classification Process June 2021. Collection method: clinical testing. Allele origin: germline. Affected: yes.
Comment: Not observed in large population cohorts (Lek et al., 2016); In silico analysis supports that this missense variant does not alter protein structure/function; Has not been previously published as pathogenic or benign to our knowledge